The following is an entry in ClinVar:

ClinVar aggregate classification (germline): Pathogenic (1 of 4 stars; one submission).

Submission:

ISCA site 15
Classification: Pathogenic. Last evaluated: 2011-08-12. Review status: criteria provided, single submitter. Criteria: Kaminsky et al. (Genet Med. 2011). Collection method: clinical testing. Allele origin: de novo. Affected: yes. Observed: 1 variant allele.
Comment: Copy number variation identified through the course of routine clinical cytogenomic testing in postnatal populations. Clinical assertions have been curated as described in Kaminsky et al. 2011.

GRCh38/hg38 3p25.3(chr3:9654297-10228687)x1

Genes: CIDEC (cell death inducing DFFA like effector c; minus strand), CPNE9 (copine family member 9; plus strand), CRELD1 (CRELD disulfide isomerase 1; plus strand), EMC3 (ER membrane protein complex subunit 3; minus strand), EMC3-AS1 (EMC3 antisense RNA 1; plus strand) and 60 more. Cytogenetic location: 3p25.3.
Variant type: copy number loss.
Change: copy number 1 (one copy instead of two) of chr3:9,654,297-10,228,687 (574.4 kb, GRCh38 coordinates, 1-based), cytogenetic band 3p25.3.
Identifiers: ClinVar variation 57742 (VCV000057742.1).